The following is an entry in ClinVar:

NM_014270.5(SLC7A9):c.623A>G (p.Asp208Gly)

Gene: SLC7A9 (solute carrier family 7 member 9; minus strand). Cytogenetic location: 19q13.11.
Variant type: single nucleotide variant.
Coding change: c.623A>G on transcript NM_014270.5 (MANE Select); coding-DNA position 623, A replaced by G.
Protein change: p.Asp208Gly; replaces aspartic acid 208 with glycine.
Molecular consequence: missense variant.
Genome position (GRCh38, 1-based): chr19:32,862,199, T>C on the plus strand (A>G on the coding strand, the complement: SLC7A9 is on the minus strand). VCF-style: chr19-32862199-T-C. GRCh37 (hg19) VCF-style: chr19-33353105-T-C.
Other names: c.623A>G, p.Asp208Gly (NM_001126335.2, NM_001243036.2); short protein forms D208G.
Identifiers: ClinVar variation 4533356 (VCV004533356.1).

ClinVar aggregate classification (germline): Uncertain significance (1 of 4 stars; one submission).

Conditions:
Cystinuria (CSNU). Also called: CYSTINURIA, TYPE I; CYSTINURIA, TYPE II; CYSTINURIA, TYPE III; Cystinuria, non-type I. Identifiers: Orphanet 214, MedGen C0010691, MONDO:0009067, OMIM 220100, HP:0003131.

gnomAD v4.1: 2 of 1,613,908 alleles (0.00012%); highest among the groups gnomAD compares: East Asian, 0.0022%; no homozygotes.

Submission:

Daryl Scott Lab, Baylor College of Medicine
Classification: Uncertain significance for Cystinuria. Last evaluated: 2025-08-25. Review status: criteria provided, single submitter. Criteria: ACMG Guidelines, 2015. Collection method: clinical testing. Allele origin: biparental. Affected: yes. Observed: 1 homozygote.
Comment: BP4